The following is an entry in ClinVar:

ClinVar aggregate classification (germline): Likely pathogenic (1 of 4 stars; one submission).

Conditions:
PTF1A-related disorder. Also called: PTF1A-related condition.

Submission:

PreventionGenetics, part of Exact Sciences
Classification: Likely pathogenic for PTF1A-related condition. Last evaluated: 2026-09-11. Review status: criteria provided, single submitter. Criteria: ACMG Guidelines, 2015. Collection method: clinical testing. Allele origin: germline.
Comment: The PTF1A c.417_441dup25 variant is predicted to result in a frameshift and premature protein termination (p.Ala148Argfs*131). To our knowledge, this variant has not been reported in the literature or in a large population database (gnomAD), indicating this variant is rare. Frameshift variants in PTF1A are expected to be pathogenic. This variant is interpreted as likely pathogenic.

NM_178161.3(PTF1A):c.417_441dup (p.Ala148fs)

Gene: PTF1A (pancreas associated transcription factor 1a; plus strand). Cytogenetic location: 10p12.2.
Variant type: Duplication.
Coding change: c.417_441dup on transcript NM_178161.3 (MANE Select); coding-DNA positions 417 to 441, 25 bases duplicated (CGGCCTGAGCGGAGCGGCGGCTGCG).
Protein change: p.Ala148fs; shifts the reading frame from alanine 148.
Molecular consequence: frameshift variant.
Genome position (GRCh38, 1-based): chr10:23,192,947-23,192,971, CGGCCTGAGCGGAGCGGCGGCTGCG duplicated; duplicating any 25 consecutive bases within chr10:23,192,938-23,192,971 gives the same sequence; the c. name uses the placement nearest the transcript's 3' end. VCF-style (leftmost placement, unchanged base first): chr10-23192937-C-CGCGGCTGCGCGGCCTGAGCGGAGCG. GRCh37 (hg19) VCF-style: chr10-23481866-C-CGCGGCTGCGCGGCCTGAGCGGAGCG.
Other names: short protein forms A148fs.
Identifiers: ClinVar variation 4998840 (VCV004998840.1).